The following is an entry in ClinVar:

NM_014956.5(CEP164):c.100C>G (p.Arg34Gly)

Gene: CEP164 (centrosomal protein 164; plus strand). Cytogenetic location: 11q23.3.
Variant type: single nucleotide variant.
Coding change: c.100C>G on transcript NM_014956.5 (MANE Select); coding-DNA position 100, C replaced by G.
Protein change: p.Arg34Gly; replaces arginine 34 with glycine.
Molecular consequence: missense variant.
Genome position (GRCh38, 1-based): chr11:117,344,183, C>G. VCF-style: chr11-117344183-C-G. GRCh37 (hg19) VCF-style: chr11-117214899-C-G.
Other names: c.100C>G, p.Arg34Gly (NM_001271933.2); c.100C>G (NM_014956.4); short protein forms R34G.
Identifiers: ClinVar variation 1462060 (VCV001462060.7), dbSNP rs775902514, ClinGen allele CA382721723.

ClinVar aggregate classification (germline): Uncertain significance. Review status: criteria provided, multiple submitters, no conflicts (2 of 4 stars). 2 submissions from 2 submitters: Uncertain significance (2). Last evaluated 2025-05-05.

Conditions:
Inborn genetic diseases. Identifiers: MedGen C0950123, MeSH D030342.
Nephronophthisis 15 (NPHP15). Identifiers: Orphanet 3156, MedGen C3541853, MONDO:0013917, OMIM 614845.

Submissions (2):

Ambry Genetics
Classification: Uncertain significance for Inborn genetic diseases. Last evaluated: 2025-05-05. Review status: criteria provided, single submitter. Criteria: Ambry Variant Classification Scheme 2023. Collection method: clinical testing. Allele origin: germline.

Labcorp Genetics (formerly Invitae), Labcorp
Classification: Uncertain significance for Nephronophthisis 15. Last evaluated: 2022-05-28. Review status: criteria provided, single submitter. Criteria: Invitae Variant Classification Sherloc (09022015). Collection method: clinical testing. Allele origin: germline.
Comment: This sequence change replaces arginine, which is basic and polar, with glycine, which is neutral and non-polar, at codon 34 of the CEP164 protein (p.Arg34Gly). This variant is not present in population databases (gnomAD no frequency). This variant has not been reported in the literature in individuals affected with CEP164-related conditions. ClinVar contains an entry for this variant (Variation ID: 1462060). Algorithms developed to predict the effect of missense changes on protein structure and function are either unavailable or do not agree on the potential impact of this missense change (SIFT: "Deleterious"; PolyPhen-2: "Benign"; Align-GVGD: "Class C45"). In summary, the available evidence is currently insufficient to determine the role of this variant in disease. Therefore, it has been classified as a Variant of Uncertain Significance.